The following is an entry in ClinVar:

NM_144573.4(NEXN):c.1943A>G (p.Asp648Gly)

Gene: NEXN (nexilin F-actin binding protein; plus strand). Cytogenetic location: 1p31.1.
Variant type: single nucleotide variant.
Coding change: c.1943A>G on transcript NM_144573.4 (MANE Select); coding-DNA position 1943, A replaced by G.
Protein change: p.Asp648Gly; replaces aspartic acid 648 with glycine.
Molecular consequence: missense variant.
Genome position (GRCh38, 1-based): chr1:77,942,744, A>G. VCF-style: chr1-77942744-A-G. GRCh37 (hg19) VCF-style: chr1-78408429-A-G.
Other names: c.1751A>G, p.Asp584Gly (NM_001172309.2); short protein forms D648G, D584G.
Identifiers: ClinVar variation 1360466 (VCV001360466.7), dbSNP rs754430866, ClinGen allele CA919010.

ClinVar aggregate classification (germline): Uncertain significance (1 of 4 stars; one submission).

Conditions:
Hypertrophic cardiomyopathy 20. Identifiers: MedGen C3151267, MONDO:0013477, OMIM 613876.
Dilated cardiomyopathy 1CC (CMD1CC). Identifiers: Orphanet 154, MedGen C2751084, MONDO:0013147, OMIM 613122.

Allele frequency attached by ClinVar (database versions not stated): ExAC 0.00001; gnomAD exomes 0.00001.
gnomAD v4.1: 3 of 1,613,798 alleles (0.00019%); highest among the groups gnomAD compares: Non-Finnish European, 0.00025%; no homozygotes.

Submission:

Labcorp Genetics (formerly Invitae), Labcorp
Classification: Uncertain significance for Dilated cardiomyopathy 1CC; Hypertrophic cardiomyopathy 20. Last evaluated: 2021-03-17. Review status: criteria provided, single submitter. Criteria: Invitae Variant Classification Sherloc (09022015). Collection method: clinical testing. Allele origin: germline.
Comment: This variant is present in population databases (rs754430866, ExAC 0.002%). This variant has not been reported in the literature in individuals with NEXN-related conditions. Algorithms developed to predict the effect of missense changes on protein structure and function are either unavailable or do not agree on the potential impact of this missense change (SIFT: "Deleterious"; PolyPhen-2: "Probably Damaging"; Align-GVGD: "Class C0"). This sequence change replaces aspartic acid with glycine at codon 648 of the NEXN protein (p.Asp648Gly). The aspartic acid residue is highly conserved and there is a moderate physicochemical difference between aspartic acid and glycine. Algorithms developed to predict the effect of sequence changes on RNA splicing suggest that this variant may create or strengthen a splice site, but this prediction has not been confirmed by published transcriptional studies. In summary, the available evidence is currently insufficient to determine the role of this variant in disease. Therefore, it has been classified as a Variant of Uncertain Significance.